The following is an entry in ClinVar:

NM_015046.7(SETX):c.6013G>A (p.Val2005Met)

Gene: SETX (senataxin; minus strand). Cytogenetic location: 9q34.13.
Variant type: single nucleotide variant.
Coding change: c.6013G>A on transcript NM_015046.7 (MANE Select); coding-DNA position 6013, G replaced by A.
Protein change: p.Val2005Met; replaces valine 2005 with methionine.
Molecular consequence: missense variant.
Genome position (GRCh38, 1-based): chr9:132,295,965, C>T on the plus strand (G>A on the coding strand, the complement: SETX is on the minus strand). VCF-style: chr9-132295965-C-T. GRCh37 (hg19) VCF-style: chr9-135171352-C-T.
Other names: p.Val2005Met; c.6013G>A, p.Val2005Met (NM_001351527.2, NM_001351528.2); short protein forms V2005M.
Identifiers: ClinVar variation 624373 (VCV000624373.54), dbSNP rs148568105, ClinGen allele CA5296852.

ClinVar aggregate classification (germline): Conflicting classifications of pathogenicity. Review status: criteria provided, conflicting classifications (1 of 4 stars). 6 submissions from 6 submitters: Uncertain significance (4); Benign (1); Likely benign (1). Last evaluated 2025-12-05.

Conditions:
Inborn genetic diseases. Identifiers: MedGen C0950123, MeSH D030342.
Spinocerebellar ataxia, autosomal recessive, with axonal neuropathy 2 (SCAN2). Also called: Ataxia-ocular apraxia-2; Ataxia with Oculomotor Apraxia; ATAXIA-OCULOMOTOR APRAXIA 2; Ataxia with Oculomotor Apraxia Type 2. Identifiers: Orphanet 64753, MedGen C1853761, MONDO:0018996, OMIM 606002.
Amyotrophic lateral sclerosis type 4 (ALS4). Also called: NEURONOPATHY, DISTAL HEREDITARY MOTOR, WITH PYRAMIDAL FEATURES; AMYOTROPHIC LATERAL SCLEROSIS 4, JUVENILE. Identifiers: Orphanet 357043, MedGen C1865409, MONDO:0011223, OMIM 602433.

Allele frequency attached by ClinVar (database versions not stated): ESP Exome Variant Server 0.00031; TOPMed 0.00034; 1000 Genomes Project 0.00040; ExAC 0.00016; gnomAD exomes 0.00016; 1000 Genomes Project 30x 0.00031.

Submissions (6):

GeneDx
Classification: Uncertain significance. Last evaluated: 2025-12-05. Review status: criteria provided, single submitter. Criteria: GeneDx Variant Classification Process June 2021. Collection method: clinical testing. Allele origin: germline.
Comment: Observed as a heterozygous variant in a patient with Charcot-Marie-Tooth disease in published literature, although additional clinical information was not provided (PMID: 26752306); In silico analysis supports that this missense variant has a deleterious effect on protein structure/function; This variant is associated with the following publications: (PMID: 26752306)

Labcorp Genetics (formerly Invitae), Labcorp
Classification: Benign for Amyotrophic lateral sclerosis type 4; Spinocerebellar ataxia, autosomal recessive, with axonal neuropathy 2. Last evaluated: 2025-09-29. Review status: criteria provided, single submitter. Criteria: Invitae Variant Classification Sherloc (09022015). Collection method: clinical testing. Allele origin: germline.

Mayo Clinic Laboratories, Mayo Clinic
Classification: Uncertain significance. Last evaluated: 2025-07-08. Review status: criteria provided, single submitter. Criteria: ACMG Guidelines, 2015. Collection method: clinical testing. Allele origin: germline. Observed: 3 variant alleles.
Comment: BS1

Ambry Genetics
Classification: Uncertain significance for Inborn genetic diseases. Last evaluated: 2025-04-25. Review status: criteria provided, single submitter. Criteria: Ambry Variant Classification Scheme 2023. Collection method: clinical testing. Allele origin: germline.

Athena Diagnostics
Classification: Likely benign. Last evaluated: 2020-12-23. Review status: criteria provided, single submitter. Criteria: Athena Diagnostics criteria. Collection method: clinical testing. Allele origin: unknown.

CeGaT Center for Human Genetics Tuebingen
Classification: Uncertain significance. Last evaluated: 2018-06-01. Review status: criteria provided, single submitter. Criteria: CeGaT Center For Human Genetics Tuebingen Variant Classification Criteria Version 2. Collection method: clinical testing. Allele origin: germline. Affected: yes. Observed: 1 variant allele.

Literature cited by the submitters: PubMed 26752306 (cited by Mayo Clinic Laboratories, Mayo Clinic and Athena Diagnostics).